The following is an entry in ClinVar:

ClinVar aggregate classification (germline): Uncertain significance. Review status: criteria provided, multiple submitters, no conflicts (2 of 4 stars). 2 submissions from 2 submitters: Uncertain significance (2). Last evaluated 2023-12-21.

Conditions:
Inborn genetic diseases. Identifiers: MedGen C0950123, MeSH D030342.

Submissions (2):

Ambry Genetics
Classification: Uncertain significance for Inborn genetic diseases. Last evaluated: 2023-12-21. Review status: criteria provided, single submitter. Criteria: Ambry Variant Classification Scheme 2023. Collection method: clinical testing. Allele origin: germline.
Comment: The p.S2152Y variant (also known as c.6455C>A), located in coding exon 38 of the ATR gene, results from a C to A substitution at nucleotide position 6455. The serine at codon 2152 is replaced by tyrosine, an amino acid with dissimilar properties. This amino acid position is conserved. In addition, this alteration is predicted to be tolerated by in silico analysis. Since supporting evidence is limited at this time, the clinical significance of this alteration remains unclear.

Labcorp Genetics (formerly Invitae), Labcorp
Classification: Uncertain significance. Last evaluated: 2021-10-23. Review status: criteria provided, single submitter. Criteria: Invitae Variant Classification Sherloc (09022015). Collection method: clinical testing. Allele origin: germline.
Comment: This variant is not present in population databases (ExAC no frequency). In summary, the available evidence is currently insufficient to determine the role of this variant in disease. Therefore, it has been classified as a Variant of Uncertain Significance. Algorithms developed to predict the effect of missense changes on protein structure and function are either unavailable or do not agree on the potential impact of this missense change (SIFT: "Deleterious"; PolyPhen-2: "Probably Damaging"; Align-GVGD: "Class C0"). This variant has not been reported in the literature in individuals affected with ATR-related conditions. This sequence change replaces serine with tyrosine at codon 2152 of the ATR protein (p.Ser2152Tyr). The serine residue is highly conserved and there is a large physicochemical difference between serine and tyrosine.

NM_001184.4(ATR):c.6455C>A (p.Ser2152Tyr)

Gene: ATR (ATR checkpoint kinase; minus strand). Cytogenetic location: 3q23.
Variant type: single nucleotide variant.
Coding change: c.6455C>A on transcript NM_001184.4 (MANE Select); coding-DNA position 6455, C replaced by A.
Protein change: p.Ser2152Tyr; replaces serine 2152 with tyrosine.
Molecular consequence: missense variant.
Genome position (GRCh38, 1-based): chr3:142,469,434, G>T on the plus strand (C>A on the coding strand, the complement: ATR is on the minus strand). VCF-style: chr3-142469434-G-T. GRCh37 (hg19) VCF-style: chr3-142188276-G-T.
Other names: c.6455C>A (NM_001184.3); c.6263C>A, p.Ser2088Tyr (NM_001354579.2); short protein forms S2088Y, S2152Y.
Identifiers: ClinVar variation 1346586 (VCV001346586.7), dbSNP rs2108279027, ClinGen allele CA354804699.